The following is an entry in ClinVar:

NM_004415.4(DSP):c.8075del (p.Gln2692fs)

Gene: DSP (desmoplakin; plus strand). Cytogenetic location: 6p24.3.
Variant type: Deletion.
Coding change: c.8075del on transcript NM_004415.4 (MANE Select); coding-DNA position 8075, one base deleted (A; older notation c.8075delA).
Protein change: p.Gln2692fs; shifts the reading frame from glutamine 2692.
Molecular consequence: frameshift variant.
Genome position (GRCh38, 1-based): chr6:7,585,337, A deleted. VCF-style (leftmost placement, unchanged base first): chr6-7585336-CA-C. GRCh37 (hg19) VCF-style: chr6-7585569-CA-C.
Other names: c.6278del, p.Gln2093fs (NM_001008844.3); c.6746del, p.Gln2249fs (NM_001319034.2); short protein forms Q2093fs, Q2249fs, Q2692fs.
Identifiers: ClinVar variation 2775375 (VCV002775375.2), dbSNP rs2533949441, ClinGen allele CA2697546627.

ClinVar aggregate classification (germline): Likely pathogenic (1 of 4 stars; one submission).

Conditions:
Cardiomyopathy (CMYO). Also called: Cardiomyopathies. Identifiers: Orphanet 167848, MedGen C0878544, MONDO:0004994, HP:0001638. Inheritance: Various modes of inheritance.

Submission:

Color Diagnostics, LLC DBA Color Health
Classification: Likely pathogenic for Cardiomyopathy. Last evaluated: 2022-03-28. Review status: criteria provided, single submitter. Criteria: ACMG Guidelines, 2015. Collection method: clinical testing. Allele origin: germline.
Comment: This variant deletes 1 nucleotide in exon 24 of the DSP gene (c.8075del), creating a frameshift and premature translation stop signal in the last exon (p.Gln2692Argfs*5). This variant is predicted to escape nonsense-mediated decay and be expressed as a truncated protein with disrupted plakin repeat domain C (a.a. 2609-2822) and downstream C-terminal sequence that have been reported to be essential for interaction with intermediate filaments (PMID: 12101406, 12802069, 21756917). Although this variant has not been reported in individuals affected with cardiovascular disorders in the literature, a different truncation variant with similar molecular impact, p.Lys2693Profs*3 due to c.8077_8080del, has been observed in individuals affected with arrhythmogenic cardiomyopathy (PMID: 27532257, 28527814; ClinVar variation ID: 246676). This variant has not been identified in the general population by the Genome Aggregation Database (gnomAD). Loss of DSP function is a known mechanism of disease. Based on the available evidence, this variant is classified as Likely Pathogenic.

Literature cited by the submitters: PubMed 12101406; PubMed 12802069; PubMed 21756917; PubMed 27532257; PubMed 28527814.